The following is an entry in ClinVar:

ClinVar aggregate classification (germline): Pathogenic. Review status: reviewed by expert panel (3 of 4 stars). 2 submissions from 2 submitters: Pathogenic (1). 1 of the submissions does not count toward it. Last evaluated 2016-09-08.

Conditions:
Breast-ovarian cancer, familial, susceptibility to, 1 (BROVCA1). Also called: BRCA1 Hereditary Breast and Ovarian Cancer; OVARIAN CANCER, SUSCEPTIBILITY TO. Identifiers: Orphanet 145, MedGen C2676676, MONDO:0011450, OMIM 604370. Disease mechanism: loss of function.

Submissions (2):

Evidence-based Network for the Interpretation of Germline Mutant Alleles (ENIGMA)
Classification: Pathogenic for Breast-ovarian cancer, familial, susceptibility to, 1. Last evaluated: 2016-09-08. Review status: reviewed by expert panel. Criteria: ENIGMA BRCA1/2 Classification Criteria (2015). Collection method: curation. Allele origin: germline.
Comment: Variant allele predicted to encode a truncated non-functional protein.

Sharing Clinical Reports Project (SCRP)
Classification: Pathogenic for Breast-ovarian cancer, familial 1. Last evaluated: 2012-02-13. Review status: no assertion criteria provided. Collection method: clinical testing. Allele origin: germline. Not counted in ClinVar's aggregate classification.

NM_007294.4(BRCA1):c.4062_4065del (p.Asn1355fs)

Genes: BRCA1 (BRCA1 DNA repair associated; minus strand), LOC126862571 (BRD4-independent group 4 enhancer GRCh37_chr17:41243136-41244335; plus strand). Cytogenetic location: 17q21.31.
Variant type: Deletion.
Coding change: c.4062_4065del on transcript NM_007294.4 (MANE Select); coding-DNA positions 4062 to 4065, 4 bases deleted (TAAT; older notation c.4062_4065delTAAT).
Protein change: p.Asn1355fs; shifts the reading frame from asparagine 1355.
Molecular consequence: frameshift variant. On other transcripts: intron variant (135).
Genome position (GRCh38, 1-based): chr17:43,091,466-43,091,469, ATTA deleted on the plus strand (TAAT on the coding strand, the reverse complement: BRCA1 is on the minus strand). VCF-style (leftmost placement, unchanged base first): chr17-43091465-GATTA-G. GRCh37 (hg19) VCF-style: chr17-41243482-GATTA-G.
Other names: 4181DEL4; c.3918_3921del, p.Asn1307fs (NM_001407846.1, NM_001407847.1, NM_001407848.1 and 20 more transcripts); c.3921_3924del, p.Asn1308fs (NM_001407850.1, NM_001407851.1, NM_001407852.1 and 29 more transcripts); c.3849_3852del, p.Asn1284fs (NM_001407853.1, NM_001407894.1, NM_001407895.1 and 9 more transcripts); c.4062_4065del, p.Asn1355fs (NM_001407854.1, NM_001407858.1, NM_001407859.1 and 30 more transcripts); c.4059_4062del, p.Asn1354fs (NM_001407860.1, NM_001407861.1, NM_001407587.1 and 22 more transcripts); c.3861_3864del, p.Asn1288fs (NM_001407862.1); c.3939_3942del, p.Asn1314fs (NM_001407863.1, NM_001407919.1, NM_001407937.1 and 19 more transcripts); and 42 more; short protein forms N1308fs, N1355fs, N1059fs, N1227fs, N1228fs, N1285fs, N1287fs, N1313fs.
Identifiers: ClinVar variation 91621 (VCV000091621.3), dbSNP rs398122679, ClinGen allele CA002593.